The following is an entry in ClinVar:

NM_016239.4(MYO15A):c.8113A>C (p.Ser2705Arg)

Gene: MYO15A (myosin XVA; plus strand). Cytogenetic location: 17p11.2.
Variant type: single nucleotide variant.
Coding change: c.8113A>C on transcript NM_016239.4 (MANE Select); coding-DNA position 8113, A replaced by C.
Protein change: p.Ser2705Arg; replaces serine 2705 with arginine.
Molecular consequence: missense variant.
Genome position (GRCh38, 1-based): chr17:18,154,155, A>C. VCF-style: chr17-18154155-A-C. GRCh37 (hg19) VCF-style: chr17-18057469-A-C.
Other names: short protein forms S2705R.
Identifiers: ClinVar variation 1492756 (VCV001492756.3), dbSNP rs776320800, ClinGen allele CA8425043.

ClinVar aggregate classification (germline): Uncertain significance (1 of 4 stars; one submission).

Allele frequency attached by ClinVar (database versions not stated): gnomAD 0.00001; TOPMed below 0.00001.
gnomAD v4.1: 8 of 1,613,968 alleles (0.0005%); highest among the groups gnomAD compares: Non-Finnish European, 0.00068%; no homozygotes.

Submission:

Labcorp Genetics (formerly Invitae), Labcorp
Classification: Uncertain significance. Last evaluated: 2022-07-06. Review status: criteria provided, single submitter. Criteria: Invitae Variant Classification Sherloc (09022015). Collection method: clinical testing. Allele origin: germline.
Comment: This sequence change replaces serine, which is neutral and polar, with arginine, which is basic and polar, at codon 2705 of the MYO15A protein (p.Ser2705Arg). This variant is present in population databases (rs776320800, gnomAD 0.0009%). This variant has not been reported in the literature in individuals affected with MYO15A-related conditions. ClinVar contains an entry for this variant (Variation ID: 1492756). Advanced modeling of protein sequence and biophysical properties (such as structural, functional, and spatial information, amino acid conservation, physicochemical variation, residue mobility, and thermodynamic stability) performed at Invitae indicates that this missense variant is not expected to disrupt MYO15A protein function. In summary, the available evidence is currently insufficient to determine the role of this variant in disease. Therefore, it has been classified as a Variant of Uncertain Significance.